The following is an entry in ClinVar:

NM_020163.3(SEMA3G):c.884C>T (p.Ser295Leu)

Gene: SEMA3G (semaphorin 3G; minus strand). Cytogenetic location: 3p21.1.
Variant type: single nucleotide variant.
Coding change: c.884C>T on transcript NM_020163.3 (MANE Select); coding-DNA position 884, C replaced by T.
Protein change: p.Ser295Leu; replaces serine 295 with leucine.
Molecular consequence: missense variant.
Genome position (GRCh38, 1-based): chr3:52,440,978, G>A on the plus strand (C>T on the coding strand, the complement: SEMA3G is on the minus strand). VCF-style: chr3-52440978-G-A. GRCh37 (hg19) VCF-style: chr3-52474994-G-A.
Other names: short protein forms S295L.
Identifiers: ClinVar variation 3348250 (VCV003348250.1).

ClinVar aggregate classification (germline): Uncertain significance (0 of 4 stars; one submission).

Conditions:
SEMA3G-related disorder. Also called: SEMA3G-related condition.

gnomAD v4.1: 8 of 1,607,052 alleles (0.0005%); highest among the groups gnomAD compares: Non-Finnish European, 0.00051%; no homozygotes.

Submission:

PreventionGenetics, part of Exact Sciences
Classification: Uncertain significance for SEMA3G-related condition. Last evaluated: 2023-11-15. Review status: no assertion criteria provided. Collection method: clinical testing. Allele origin: germline.
Comment: The SEMA3G c.884C>T variant is predicted to result in the amino acid substitution p.Ser295Leu. To our knowledge, this variant has not been reported in the literature. This variant is reported in 0.00090% of alleles in individuals of European (Non-Finnish) descent in gnomAD. At this time, the clinical significance of this variant is uncertain due to the absence of conclusive functional and genetic evidence.